The following is an entry in ClinVar:

ClinVar aggregate classification (germline): Pathogenic/Likely pathogenic. Review status: criteria provided, multiple submitters, no conflicts (2 of 4 stars). 2 submissions from 2 submitters: Pathogenic (1); Likely pathogenic (1). Last evaluated 2023-09-07.

Conditions:
Carney complex, type 1 (CNC1). Also called: CARNEY COMPLEX, TYPE I; CARNEY MYXOMA-ENDOCRINE COMPLEX. Identifiers: Orphanet 1359, MedGen C2607929, MONDO:0008057, OMIM 160980.
Hereditary cancer-predisposing syndrome. Also called: Hereditary Cancer Syndrome; Neoplastic Syndromes, Hereditary; Tumor predisposition; Hereditary neoplastic syndrome. Identifiers: Orphanet 140162, MedGen C0027672, MeSH D009386, MONDO:0015356.

Submissions (2):

Ambry Genetics
Classification: Likely pathogenic for Hereditary cancer-predisposing syndrome. Last evaluated: 2023-09-07. Review status: criteria provided, single submitter. Criteria: Ambry Variant Classification Scheme 2023. Collection method: clinical testing. Allele origin: germline.
Comment: The c.932_933delAG variant, located in coding exon 9 of the PRKAR1A gene, results from a deletion of two nucleotides at nucleotide positions 932 to 933, causing a translational frameshift with a predicted alternate stop codon (p.E311Vfs*3). This alteration occurs at the 3' terminus of the PRKAR1A gene, is not expected to trigger nonsense-mediated mRNA decay, and only impacts the last 71 amino acids of the protein. However, premature stop codons are typically deleterious in nature, the impacted region is critical for protein function, and a significant portion of the protein is affected (Ambry internal data). Based on internal structural analysis, this alteration is expected to disrupt the cAMP-binding region of PRKAR1A, which is critical to protein function (Ambry internal data; Linglart A et al. J Clin Endocrinol Metab, 2012 Dec;97:E2328-38; Rhayem Y et al. J Biol Chem, 2015 Nov;290:27816-28; Lorenz R et al. Biochem J, 2017 Jul;474:2389-2403). This variant is considered to be rare based on population cohorts in the Genome Aggregation Database (gnomAD). Based on the majority of available evidence to date, this variant is likely to be pathogenic.

Labcorp Genetics (formerly Invitae), Labcorp
Classification: Pathogenic for Carney complex, type 1. Last evaluated: 2022-08-03. Review status: criteria provided, single submitter. Criteria: Invitae Variant Classification Sherloc (09022015). Collection method: clinical testing. Allele origin: germline.
Comment: This sequence change creates a premature translational stop signal (p.Glu311Valfs*3) in the PRKAR1A gene. While this is not anticipated to result in nonsense mediated decay, it is expected to disrupt the last 71 amino acid(s) of the PRKAR1A protein. This variant has not been reported in the literature in individuals affected with PRKAR1A-related conditions. This variant is not present in population databases (gnomAD no frequency). This variant disrupts a region of the PRKAR1A protein in which other variant(s) (p.Arg368*) have been determined to be pathogenic (PMID: 21651393, 22464250, 26405036, 28804209). This suggests that this is a clinically significant region of the protein, and that variants that disrupt it are likely to be disease-causing. For these reasons, this variant has been classified as Pathogenic.

Literature cited by the submitters: PubMed 23043190 (cited by Ambry Genetics); PubMed 26405036 (cited by Ambry Genetics and Labcorp Genetics (formerly Invitae), Labcorp); PubMed 28583991 (cited by Ambry Genetics); PubMed 21651393 (cited by Labcorp Genetics (formerly Invitae), Labcorp); PubMed 22464250 (cited by Labcorp Genetics (formerly Invitae), Labcorp); PubMed 28804209 (cited by Labcorp Genetics (formerly Invitae), Labcorp).

NM_002734.5(PRKAR1A):c.932_933del (p.Glu311fs)

Gene: PRKAR1A (protein kinase cAMP-dependent type I regulatory subunit alpha; plus strand). Cytogenetic location: 17q24.2.
Variant type: Microsatellite.
Coding change: c.932_933del on transcript NM_002734.5 (MANE Select); coding-DNA positions 932 to 933, 2 bases deleted (AG; older notation c.932_933delAG).
Protein change: p.Glu311fs; shifts the reading frame from glutamic acid 311.
Molecular consequence: frameshift variant.
Genome position (GRCh38, 1-based): chr17:68,529,960-68,529,961, AG deleted; deleting any 2 consecutive bases within chr17:68,529,958-68,529,961 gives the same sequence; the c. name uses the placement nearest the transcript's 3' end. VCF-style (leftmost placement, unchanged base first): chr17-68529957-AAG-A. GRCh37 (hg19) VCF-style: chr17-66526098-AAG-A.
Other names: c.932_933delAG (NM_002734.3); c.932_933del, p.Glu311fs (NM_001276289.2, NM_001276290.1, NM_001278433.2 and 4 more transcripts); short protein forms E311fs.
Identifiers: ClinVar variation 2182961 (VCV002182961.6), dbSNP rs2509443639, ClinGen allele CA2580613241.